The following is an entry in ClinVar:

ClinVar aggregate classification (germline): Pathogenic/Likely pathogenic. Review status: criteria provided, multiple submitters, no conflicts (2 of 4 stars). 2 submissions from 2 submitters: Pathogenic (1); Likely pathogenic (1). Last evaluated 2024-09-18.

Conditions:
CEP78-related disorder. Also called: CEP78-related condition.

Allele frequency attached by ClinVar (database versions not stated): gnomAD exomes below 0.00001; TOPMed below 0.00001; ExAC 0.00001; gnomAD 0.00001; ESP Exome Variant Server 0.00009.

Submissions (2):

Blueprint Genetics
Classification: Likely pathogenic for CEP78-related disorders. Last evaluated: 2024-09-18. Review status: criteria provided, single submitter. Criteria: ACMG Guidelines, 2015. Collection method: clinical testing. Allele origin: germline. Affected: yes. Observed: 2 variant alleles.

Labcorp Genetics (formerly Invitae), Labcorp
Classification: Pathogenic. Last evaluated: 2022-09-22. Review status: criteria provided, single submitter. Criteria: Invitae Variant Classification Sherloc (09022015). Collection method: clinical testing. Allele origin: germline.
Comment: This sequence change creates a premature translational stop signal (p.Leu127Alafs*20) in the CEP78 gene. It is expected to result in an absent or disrupted protein product. Loss-of-function variants in CEP78 are known to be pathogenic (PMID: 27588451, 27588452, 27627988). This variant is present in population databases (rs779337546, gnomAD 0.008%). This variant has not been reported in the literature in individuals affected with CEP78-related conditions. For these reasons, this variant has been classified as Pathogenic.

Literature cited by the submitters: PubMed 27588451 (cited by Labcorp Genetics (formerly Invitae), Labcorp); PubMed 27588452 (cited by Labcorp Genetics (formerly Invitae), Labcorp); PubMed 27627988 (cited by Labcorp Genetics (formerly Invitae), Labcorp).

NM_001330691.3(CEP78):c.377dup (p.Leu127fs)

Gene: CEP78 (centrosomal protein 78; plus strand). Cytogenetic location: 9q21.2.
Variant type: Duplication.
Coding change: c.377dup on transcript NM_001330691.3 (MANE Select); coding-DNA position 377, one base duplicated (A; older notation c.377dupA).
Protein change: p.Leu127fs; shifts the reading frame from leucine 127.
Molecular consequence: frameshift variant.
Genome position (GRCh38, 1-based): chr9:78,240,146, A duplicated. VCF-style (leftmost placement, unchanged base first): chr9-78240145-G-GA. GRCh37 (hg19) VCF-style: chr9-80855061-G-GA.
Other names: c.377dup, p.Leu127fs (NM_001098802.3, NM_001330693.3, NM_001330694.2 and 4 more transcripts); short protein forms L127fs.
Identifiers: ClinVar variation 1918374 (VCV001918374.6), dbSNP rs779337546, ClinGen allele CA5094891.